The following is an entry in ClinVar:

NM_001364905.1(LRBA):c.6921+60C>G

Gene: LRBA (LPS responsive beige-like anchor protein; minus strand). Cytogenetic location: 4q31.3.
Variant type: single nucleotide variant.
Coding change: c.6921+60C>G on transcript NM_001364905.1 (MANE Select); 60 bases into the intron after coding-DNA position 6921, C replaced by G.
Molecular consequence: intron variant.
Genome position (GRCh38, 1-based): chr4:150,436,664, G>C on the plus strand (C>G on the coding strand, the complement: LRBA is on the minus strand). VCF-style: chr4-150436664-G-C. GRCh37 (hg19) VCF-style: chr4-151357816-G-C.
Other names: c.6921+60C>G (NM_001367550.1, NM_001199282.3, NM_001440431.1); c.6954+60C>G (NM_006726.5, NM_001440430.1); c.624+60C>G (NM_001440432.1); c.618+60C>G (NM_001440433.1).
Identifiers: ClinVar variation 1265528 (VCV001265528.5), dbSNP rs2292122, ClinGen allele CA108349073.

ClinVar aggregate classification (germline): Benign. Review status: criteria provided, multiple submitters, no conflicts (2 of 4 stars). 3 submissions from 3 submitters: Benign (3). Last evaluated 2023-11-12.

Allele frequency attached by ClinVar (database versions not stated): 1000 Genomes Project 0.15695; gnomAD 0.21963 and 0.21662; TOPMed 0.20399; gnomAD exomes 0.28995; 1000 Genomes Project 30x 0.15412.
gnomAD v4.1: 400,802 of 1,424,334 alleles (28%); highest among the groups gnomAD compares: Non-Finnish European, 32%; 60,882 homozygotes.

Submissions (3):

Unidad de Genómica Garrahan, Hospital de Pediatría Garrahan
Classification: Benign. Last evaluated: 2023-11-12. Review status: criteria provided, single submitter. Criteria: ACMG Guidelines, 2015. Collection method: clinical testing. Allele origin: germline. Affected: no. Observed: 27 variant alleles.
Comment: This variant is classified as Benign based on local population frequency. This variant was detected in 28% of patients studied by a panel of primary immunodeficiencies. Number of patients: 27. Only high quality variants are reported.

GeneDx
Classification: Benign. Last evaluated: 2021-06-19. Review status: criteria provided, single submitter. Criteria: GeneDx Variant Classification Process June 2021. Collection method: clinical testing. Allele origin: germline. Affected: yes.

Breakthrough Genomics
Classification: Benign. Review status: criteria provided, single submitter. Criteria: ACMG Guidelines, 2015. Collection method: not provided. Allele origin: germline. Inheritance: Autosomal recessive inheritance. Affected: yes.